The following is an entry in ClinVar:

NM_004252.5(NHERF1):c.659G>A (p.Arg220Lys)

Gene: NHERF1 (NHERF family PDZ scaffold protein 1; plus strand). Cytogenetic location: 17q25.1.
Variant type: single nucleotide variant.
Coding change: c.659G>A on transcript NM_004252.5 (MANE Select); coding-DNA position 659, G replaced by A.
Protein change: p.Arg220Lys; replaces arginine 220 with lysine.
Molecular consequence: missense variant.
Genome position (GRCh38, 1-based): chr17:74,763,422, G>A. VCF-style: chr17-74763422-G-A. GRCh37 (hg19) VCF-style: chr17-72759561-G-A.
Other names: short protein forms R220K.
Identifiers: ClinVar variation 2711882 (VCV002711882.3), dbSNP rs756614733, ClinGen allele CA8750682.

ClinVar aggregate classification (germline): Uncertain significance (1 of 4 stars; one submission).

Allele frequency attached by ClinVar (database versions not stated): gnomAD exomes 0.00002; ExAC 0.00005; gnomAD 0.00020; TOPMed 0.00025.
gnomAD v4.1: 65 of 1,613,854 alleles (0.004%); highest among the groups gnomAD compares: Admixed American, 0.095%; no homozygotes.

Submission:

Labcorp Genetics (formerly Invitae), Labcorp
Classification: Uncertain significance. Last evaluated: 2025-05-27. Review status: criteria provided, single submitter. Criteria: Invitae Variant Classification Sherloc (09022015). Collection method: clinical testing. Allele origin: germline.
Comment: This sequence change replaces arginine, which is basic and polar, with lysine, which is basic and polar, at codon 220 of the SLC9A3R1 protein (p.Arg220Lys). This variant is present in population databases (rs756614733, gnomAD 0.06%), and has an allele count higher than expected for a pathogenic variant. This variant has not been reported in the literature in individuals affected with SLC9A3R1-related conditions. ClinVar contains an entry for this variant (Variation ID: 2711882). An algorithm developed to predict the effect of missense changes on protein structure and function outputs the following: PolyPhen-2: "Benign". The lysine amino acid residue is found in multiple mammalian species, which suggests that this missense change does not adversely affect protein function. In summary, the available evidence is currently insufficient to determine the role of this variant in disease. Therefore, it has been classified as a Variant of Uncertain Significance.